The following is an entry in ClinVar:

ClinVar aggregate classification (germline): Uncertain significance (1 of 4 stars; one submission).

Submission:

Labcorp Genetics (formerly Invitae), Labcorp
Classification: Uncertain significance. Last evaluated: 2022-01-13. Review status: criteria provided, single submitter. Criteria: Invitae Variant Classification Sherloc (09022015). Collection method: clinical testing. Allele origin: germline.
Comment: Algorithms developed to predict the effect of sequence changes on RNA splicing suggest that this variant may create or strengthen a splice site. In summary, the available evidence is currently insufficient to determine the role of this variant in disease. Therefore, it has been classified as a Variant of Uncertain Significance. ClinVar contains an entry for this variant (Variation ID: 1058158). This sequence change affects codon 1377 of the ABCA4 mRNA. It is a 'silent' change, meaning that it does not change the encoded amino acid sequence of the ABCA4 protein. This variant is not present in population databases (gnomAD no frequency). This variant has been observed in individual(s) with Stargardt disease (Invitae).

NM_000350.3(ABCA4):c.4131C>A (p.Ile1377=)

Gene: ABCA4 (ATP binding cassette subfamily A member 4; minus strand). Cytogenetic location: 1p22.1.
Variant type: single nucleotide variant.
Coding change: c.4131C>A on transcript NM_000350.3 (MANE Select); coding-DNA position 4131, C replaced by A.
Protein change: p.Ile1377=; no amino-acid change (isoleucine 1377 retained).
Molecular consequence: synonymous variant.
Genome position (GRCh38, 1-based): chr1:94,031,118, G>T on the plus strand (C>A on the coding strand, the complement: ABCA4 is on the minus strand). VCF-style: chr1-94031118-G-T. GRCh37 (hg19) VCF-style: chr1-94496674-G-T.
Other names: c.3909C>A, p.Ile1303= (NM_001425324.1).
Identifiers: ClinVar variation 1058158 (VCV001058158.9), dbSNP rs145681797, ClinGen allele CA418825168.